The following is an entry in ClinVar:

ClinVar aggregate classification (germline): Likely benign. Review status: criteria provided, multiple submitters, no conflicts (2 of 4 stars). 6 submissions from 5 submitters: Likely benign (6). Last evaluated 2026-09-25.

Conditions:
NOTCH1-related disorder. Also called: NOTCH1-related condition; NOTCH1-related disorders.
Connective tissue disorder. Also called: Connective tissue disease. Identifiers: MedGen C0009782, MONDO:0003900.
Adams-Oliver syndrome 5 (AOS5). Identifiers: Orphanet 974, MedGen C4014970, MONDO:0014459, OMIM 616028.
Aortic valve disease 1 (AOVD1). Identifiers: MedGen C3887892, MONDO:0024523, OMIM 109730.

Allele frequency attached by ClinVar (database versions not stated): TOPMed 0.00002; gnomAD 0.00003 and 0.00004; gnomAD exomes 0.00004; ExAC 0.00011; 1000 Genomes Project 30x 0.00016; 1000 Genomes Project 0.00020.
gnomAD v4.1: 40 of 1,595,908 alleles (0.0025%); highest among the groups gnomAD compares: East Asian, 0.0068%; no homozygotes.

Submissions (6):

PreventionGenetics, part of Exact Sciences
Classification: Likely benign for NOTCH1-related condition. Last evaluated: 2026-09-25. Review status: criteria provided, single submitter. Criteria: ACMG Guidelines, 2015. Collection method: clinical testing. Allele origin: germline.
Comment: This variant is classified as likely benign based on ACMG/AMP sequence variant interpretation guidelines (Richards et al. 2015 PMID: 25741868, with internal and published modifications).

Labcorp Genetics (formerly Invitae), Labcorp
Classification: Likely benign for Adams-Oliver syndrome 5. Last evaluated: 2025-12-15. Review status: criteria provided, single submitter. Criteria: Invitae Variant Classification Sherloc (09022015). Collection method: clinical testing. Allele origin: germline.

Blueprint Genetics
Classification: Likely benign. Last evaluated: 2024-01-19. Review status: criteria provided, single submitter. Criteria: ACMG Guidelines, 2015. Collection method: clinical testing. Allele origin: germline.

Genome-Nilou Lab
Classification: Likely benign for Adams-Oliver syndrome 5. Last evaluated: 2022-03-15. Review status: criteria provided, single submitter. Criteria: ACMG Guidelines, 2015. Collection method: clinical testing. Allele origin: germline. Affected: no.

Genome-Nilou Lab
Classification: Likely benign for Aortic valve disease 1. Last evaluated: 2022-03-15. Review status: criteria provided, single submitter. Criteria: ACMG Guidelines, 2015. Collection method: clinical testing. Allele origin: germline. Affected: no.

Center for Human Genetics, Inc
Classification: Likely benign for Connective tissue disorder. Last evaluated: 2018-06-01. Review status: criteria provided, single submitter. Criteria: ACMG Guidelines, 2015. Collection method: clinical testing. Allele origin: germline. Affected: yes.

NM_017617.5(NOTCH1):c.3901+10G>A

Gene: NOTCH1 (notch receptor 1; minus strand). Cytogenetic location: 9q34.3.
Variant type: single nucleotide variant.
Coding change: c.3901+10G>A on transcript NM_017617.5 (MANE Select); 10 bases into the intron after coding-DNA position 3901, G replaced by A.
Molecular consequence: intron variant.
Genome position (GRCh38, 1-based): chr9:136,506,706, C>T on the plus strand (G>A on the coding strand, the complement: NOTCH1 is on the minus strand). VCF-style: chr9-136506706-C-T. GRCh37 (hg19) VCF-style: chr9-139401158-C-T.
Other names: c.3901+10G>A (NM_017617.4, LRG_1122t1).
Identifiers: ClinVar variation 477923 (VCV000477923.12), dbSNP rs561404862, ClinGen allele CA5340775.